The following is an entry in ClinVar:

NM_007068.4(DMC1):c.581A>G (p.Tyr194Cys)

Gene: DMC1 (DNA meiotic recombinase 1; minus strand). Cytogenetic location: 22q13.1.
Variant type: single nucleotide variant.
Coding change: c.581A>G on transcript NM_007068.4 (MANE Select); coding-DNA position 581, A replaced by G.
Protein change: p.Tyr194Cys; replaces tyrosine 194 with cysteine.
Molecular consequence: missense variant. On other transcripts: intron variant (2).
Genome position (GRCh38, 1-based): chr22:38,539,326, T>C on the plus strand (A>G on the coding strand, the complement: DMC1 is on the minus strand). VCF-style: chr22-38539326-T-C. GRCh37 (hg19) VCF-style: chr22-38935331-T-C.
Other names: c.422-714A>G (NM_001363017.2, NM_001278208.2); short protein forms Y194C.
Identifiers: ClinVar variation 3629600 (VCV003629600.2).

ClinVar aggregate classification (germline): Likely pathogenic (0 of 4 stars; one submission).

Conditions:
Non-obstructive azoospermia. Identifiers: MedGen C4021107, HP:0011961.

gnomAD v4.1: 8 of 1,613,040 alleles (0.0005%); highest among the groups gnomAD compares: Non-Finnish European, 0.00059%; no homozygotes.

Submission:

Yatsenko Laboratory, Magee-Womens Research Institute, University of Pittsburgh
Classification: Likely pathogenic for Non-obstructive azoospermia. Last evaluated: 2025-01-21. Review status: no assertion criteria provided. Collection method: clinical testing. Allele origin: unknown. Affected: yes.
Comment: The variant g.38539326_38539326T>C (p.Tyr194Cys) in the DMC1 gene has an MAF of 0.000004960 in the general population according to gnomAD v.4.1.0. The total allele count is 8 across the European (non-Finnish) and other non-categorized subpopulations with five males and three females carrying the variant; no homozygous individuals for this variant have been previously reported. Previous homozygous missense variants of DMC1 have been identified as likely causal for NOA in Kherraf et al., 2022 (2 variants) and He et al., 2018 (1 variant), and a homozygous frameshift variant was reported in Cao et al., 2021. In 2018, Signh et al. demonstrated that DMC1 was significantly downregulated in patients with hypospermatogenesis. In both knockout and knock-in missense mouse models, homozygous male mice were infertile (Yoshida et al., 1998, Bishop et al., 1992; Boateng et al., 2013); further, a dominant missense male mouse and dominant yeast model was created (Bannister et al. 2007). In silico predictors predict this variant to be "pathogenic" (Polyphen) and "damaging" (SIFT, MutationTaster, CADD, REVEL). Protein modeling suggests that residue Tyr194 plays an important role in facilitating inter-monomer interactions in both conformations of the enzyme. Through sequence alignment, we have also found that this position in the protein is highly conserved across chimpanzees, dogs, mice, rats, chick, fish, and humans (among other species), suggesting its evolutionary importance.